The following is an entry in ClinVar:

NM_004333.6(BRAF):c.1630A>G (p.Ile544Val)

Gene: BRAF (B-Raf proto-oncogene, serine/threonine kinase; minus strand). Cytogenetic location: 7q34.
Variant type: single nucleotide variant.
Coding change: c.1630A>G on transcript NM_004333.6 (MANE Select); coding-DNA position 1630, A replaced by G.
Protein change: p.Ile544Val; replaces isoleucine 544 with valine.
Molecular consequence: missense variant.
Genome position (GRCh38, 1-based): chr7:140,776,976, T>C on the plus strand (A>G on the coding strand, the complement: BRAF is on the minus strand). VCF-style: chr7-140776976-T-C. GRCh37 (hg19) VCF-style: chr7-140476776-T-C.
Other names: c.1630A>G, p.Ile544Val (NM_001354609.2, NM_001378468.1, NM_001378474.1); c.1750A>G, p.Ile584Val (NM_001374244.1, NM_001374258.1); c.1639A>G, p.Ile547Val (NM_001378467.1); c.1564A>G, p.Ile522Val (NM_001378469.1); c.1528A>G, p.Ile510Val (NM_001378470.1); c.1519A>G, p.Ile507Val (NM_001378471.1); c.1474A>G, p.Ile492Val (NM_001378472.1, NM_001378473.1); c.1366A>G, p.Ile456Val (NM_001378475.1); short protein forms I507V, I522V, I544V, I547V, I492V, I456V, I510V, I584V.
Identifiers: ClinVar variation 2853200 (VCV002853200.3), dbSNP rs2129018314, ClinGen allele CA369588031.

ClinVar aggregate classification (germline): Uncertain significance (1 of 4 stars; one submission).

Conditions:
RASopathy. Also called: rasopathies; Noonan spectrum disorder. Identifiers: Orphanet 536391, MedGen C5555857, MONDO:0021060.

Submission:

Labcorp Genetics (formerly Invitae), Labcorp
Classification: Uncertain significance for RASopathy. Last evaluated: 2023-04-07. Review status: criteria provided, single submitter. Criteria: Invitae Variant Classification Sherloc (09022015). Collection method: clinical testing. Allele origin: germline.
Comment: In summary, the available evidence is currently insufficient to determine the role of this variant in disease. Therefore, it has been classified as a Variant of Uncertain Significance. Advanced modeling of protein sequence and biophysical properties (such as structural, functional, and spatial information, amino acid conservation, physicochemical variation, residue mobility, and thermodynamic stability) performed at Invitae indicates that this missense variant is not expected to disrupt BRAF protein function. This sequence change replaces isoleucine, which is neutral and non-polar, with valine, which is neutral and non-polar, at codon 544 of the BRAF protein (p.Ile544Val). This variant is not present in population databases (gnomAD no frequency). This variant has not been reported in the literature in individuals affected with BRAF-related conditions.